The following is an entry in ClinVar:

NM_000079.4(CHRNA1):c.579C>T (p.Ser193=)

Gene: CHRNA1 (cholinergic receptor nicotinic alpha 1 subunit; minus strand). Cytogenetic location: 2q31.1.
Variant type: single nucleotide variant.
Coding change: c.579C>T on transcript NM_000079.4 (MANE Select); coding-DNA position 579, C replaced by T.
Protein change: p.Ser193=; no amino-acid change (serine 193 retained).
Molecular consequence: synonymous variant.
Genome position (GRCh38, 1-based): chr2:174,753,702, G>A on the plus strand (C>T on the coding strand, the complement: CHRNA1 is on the minus strand). VCF-style: chr2-174753702-G-A. GRCh37 (hg19) VCF-style: chr2-175618430-G-A.
Other names: c.654C>T (NM_001039523.2); c.654C>T, p.Ser218= (NM_001039523.3).
Identifiers: ClinVar variation 720581 (VCV000720581.12), dbSNP rs534185815, ClinGen allele CA1974516.

ClinVar aggregate classification (germline): Likely benign. Review status: criteria provided, single submitter (1 of 4 stars). 2 submissions from 2 submitters: Likely benign (1). 1 of the submissions does not count toward it. Last evaluated 2025-06-01.

Conditions:
CHRNA1-related disorder. Also called: CHRNA1-related condition.
Lethal multiple pterygium syndrome (LMPS). Identifiers: Orphanet 33108, MedGen C1854678, MONDO:0009668, OMIM 253290.

Allele frequency attached by ClinVar (database versions not stated): gnomAD 0.00001 and 0.00003; TOPMed 0.00002; gnomAD exomes 0.00006 and 0.00009; ExAC 0.00011; 1000 Genomes Project 0.00040; 1000 Genomes Project 30x 0.00062.
gnomAD v4.1: 99 of 1,614,040 alleles (0.0061%); highest among the groups gnomAD compares: South Asian, 0.053%; 1 homozygote.

Submissions (2):

Labcorp Genetics (formerly Invitae), Labcorp
Classification: Likely benign for Lethal multiple pterygium syndrome. Last evaluated: 2025-06-01. Review status: criteria provided, single submitter. Criteria: Invitae Variant Classification Sherloc (09022015). Collection method: clinical testing. Allele origin: germline.

PreventionGenetics, part of Exact Sciences
Classification: Likely benign for CHRNA1-related condition. Last evaluated: 2019-08-15. Review status: no assertion criteria provided. Collection method: clinical testing. Allele origin: germline. Not counted in ClinVar's aggregate classification.
Comment: This variant is classified as likely benign based on ACMG/AMP sequence variant interpretation guidelines (Richards et al. 2015 PMID: 25741868, with internal and published modifications).